The following is an entry in ClinVar:

ClinVar aggregate classification (germline): Uncertain significance (1 of 4 stars; one submission).

Submission:

Labcorp Genetics (formerly Invitae), Labcorp
Classification: Uncertain significance. Last evaluated: 2025-01-23. Review status: criteria provided, single submitter. Criteria: Invitae Variant Classification Sherloc (09022015). Collection method: clinical testing. Allele origin: germline.
Comment: This sequence change replaces glutamine, which is neutral and polar, with arginine, which is basic and polar, at codon 122 of the OAS1 protein (p.Gln122Arg). This variant is not present in population databases (gnomAD no frequency). This variant has not been reported in the literature in individuals affected with OAS1-related conditions. An algorithm developed to predict the effect of missense changes on protein structure and function outputs the following: PolyPhen-2: "Benign". The arginine amino acid residue is found in multiple mammalian species, which suggests that this missense change does not adversely affect protein function. In summary, the available evidence is currently insufficient to determine the role of this variant in disease. Therefore, it has been classified as a Variant of Uncertain Significance.

NM_016816.4(OAS1):c.365A>G (p.Gln122Arg)

Gene: OAS1 (2'-5'-oligoadenylate synthetase 1; plus strand). Cytogenetic location: 12q24.13.
Variant type: single nucleotide variant.
Coding change: c.365A>G on transcript NM_016816.4 (MANE Select); coding-DNA position 365, A replaced by G.
Protein change: p.Gln122Arg; replaces glutamine 122 with arginine.
Molecular consequence: missense variant. On other transcripts: non-coding transcript variant (9), intron variant (4).
Genome position (GRCh38, 1-based): chr12:112,908,720, A>G. VCF-style: chr12-112908720-A-G. GRCh37 (hg19) VCF-style: chr12-113346525-A-G.
Other names: c.180+1501A>G (NM_001406030.1, NM_001406029.1, NM_001406027.1 and 1 more transcripts); c.365A>G, p.Gln122Arg (NM_001032409.3, NM_001320151.2, NM_001406020.1 and 6 more transcripts); short protein forms Q122R.
Identifiers: ClinVar variation 3668498 (VCV003668498.2).